The following is an entry in ClinVar:

NM_001378778.1(MPDZ):c.3064G>T (p.Val1022Phe)

Gene: MPDZ (multiple PDZ domain crumbs cell polarity complex component; minus strand). Cytogenetic location: 9p23.
Variant type: single nucleotide variant.
Coding change: c.3064G>T on transcript NM_001378778.1 (MANE Select); coding-DNA position 3064, G replaced by T.
Protein change: p.Val1022Phe; replaces valine 1022 with phenylalanine.
Molecular consequence: missense variant.
Genome position (GRCh38, 1-based): chr9:13,168,556, C>A on the plus strand (G>T on the coding strand, the complement: MPDZ is on the minus strand). VCF-style: chr9-13168556-C-A. GRCh37 (hg19) VCF-style: chr9-13168555-C-A.
Other names: c.3064G>T, p.Val1022Phe (NM_001261406.2, NM_001261407.2, NM_001330637.2 and 14 more transcripts); short protein forms V1022F.
Identifiers: ClinVar variation 1951809 (VCV001951809.3), dbSNP rs762601542, ClinGen allele CA4987268.
Genomic context (GRCh38, chr9:13,168,556, plus strand): 5'-TGGCACCTCCATGAATAATGCTTCGAACGATCATCCCCAAGCCATCTTTATTAGCACTAA[C>A]TGTCATTCCTACAGGAAAAGAGAAATGCAAATATAATTAAATACATGATTTTTCAATTCA-3'
Protein context (NP_001365707.1, residues 1012-1032): AKGNSSLGMT[Val1022Phe]SANKDGLGMI

ClinVar aggregate classification (germline): Uncertain significance (1 of 4 stars; one submission).

Allele frequency attached by ClinVar (database versions not stated): gnomAD exomes 0.00003.
gnomAD v4.1: 40 of 1,577,062 alleles (0.0025%); highest among the groups gnomAD compares: Non-Finnish European, 0.0034%; no homozygotes.

Submission:

Labcorp Genetics (formerly Invitae), Labcorp
Classification: Uncertain significance. Last evaluated: 2022-04-29. Review status: criteria provided, single submitter. Criteria: Invitae Variant Classification Sherloc (09022015). Collection method: clinical testing. Allele origin: germline.
Comment: This sequence change replaces valine, which is neutral and non-polar, with phenylalanine, which is neutral and non-polar, at codon 1022 of the MPDZ protein (p.Val1022Phe). This variant is present in population databases (rs762601542, gnomAD 0.004%). This variant has not been reported in the literature in individuals affected with MPDZ-related conditions. Algorithms developed to predict the effect of missense changes on protein structure and function (SIFT, PolyPhen-2, Align-GVGD) all suggest that this variant is likely to be disruptive. In summary, the available evidence is currently insufficient to determine the role of this variant in disease. Therefore, it has been classified as a Variant of Uncertain Significance.